The following is an entry in ClinVar:

ClinVar aggregate classification (germline): Benign/Likely benign. Review status: criteria provided, multiple submitters, no conflicts (2 of 4 stars). 29 submissions from 29 submitters: Benign (18); Likely benign (4). 7 of the submissions do not count toward it. Last evaluated 2026-02-04.

Conditions:
Lymphangiomyomatosis (LAM). Also called: Lymphangioleiomyomatosis, somatic; Lymphangioleiomyomatosis. Identifiers: Orphanet 538, MedGen C0751674, MONDO:0011705, OMIM 606690.
Isolated focal cortical dysplasia type II (FCORD2). Also called: CORTICAL DYSPLASIA OF TAYLOR; Focal cortical dysplasia type II. Identifiers: Orphanet 268994, MedGen C1846385, MONDO:0011818, OMIM 607341, HP:0032051.
Tuberous sclerosis 2 (TSC2). Identifiers: Orphanet 805, MedGen C1860707, MONDO:0013199, OMIM 613254.
Hereditary cancer-predisposing syndrome. Also called: Tumor predisposition; Neoplastic Syndromes, Hereditary; Hereditary neoplastic syndrome; Hereditary Cancer Syndrome. Identifiers: Orphanet 140162, MedGen C0027672, MeSH D009386, MONDO:0015356.
Ovarian cancer. Also called: OVARIAN CANCER, SOMATIC. Identifiers: Orphanet 213500, MedGen C1140680, MONDO:0008170, OMIM 167000.
Tuberous sclerosis syndrome (TSC). Also called: Tuberous Sclerosis Complex; Tuberous sclerosis. Identifiers: Orphanet 805, MedGen C0041341, MONDO:0001734.

Allele frequency attached by ClinVar (database versions not stated): gnomAD 0.01578 and 0.01675; ESP Exome Variant Server 0.01651; TOPMed 0.01721; gnomAD exomes 0.00230 and 0.00535; ExAC 0.00723; 1000 Genomes Project 30x 0.01968; 1000 Genomes Project 0.02017.
gnomAD v4.1: 5,847 of 1,611,334 alleles (0.36%); highest among the groups gnomAD compares: African/African-American, 5%; 119 homozygotes.

Submissions (29):

Labcorp Genetics (formerly Invitae), Labcorp
Classification: Benign for Tuberous sclerosis 2. Last evaluated: 2026-02-04. Review status: criteria provided, single submitter. Criteria: Invitae Variant Classification Sherloc (09022015). Collection method: clinical testing. Allele origin: germline.

Myriad Genetics, Inc.
Classification: Benign for Tuberous sclerosis 2. Last evaluated: 2025-06-02. Review status: criteria provided, single submitter. Criteria: Myriad Autosomal Dominant, Autosomal Recessive and X-Linked Classification Criteria (2023). Collection method: clinical testing. Allele origin: unknown.
Comment: This variant is considered benign. This variant has been observed at a population frequency that is significantly greater than expected given the associated disease prevalence and penetrance.

ARUP Laboratories, Molecular Genetics and Genomics, ARUP Laboratories
Classification: Benign. Last evaluated: 2025-05-07. Review status: criteria provided, single submitter. Criteria: ARUP Molecular Germline Variant Investigation Process 2024. Collection method: clinical testing. Allele origin: germline.

Blueprint Genetics
Classification: Likely benign. Last evaluated: 2024-11-27. Review status: criteria provided, single submitter. Criteria: ACMG Guidelines, 2015. Collection method: clinical testing. Allele origin: germline.

Mayo Clinic Laboratories, Mayo Clinic
Classification: Benign. Last evaluated: 2024-03-05. Review status: criteria provided, single submitter. Criteria: ACMG Guidelines, 2015. Collection method: clinical testing. Allele origin: germline. Observed: 20 variant alleles.
Comment: BS1, BS2

KCCC/NGS Laboratory, Kuwait Cancer Control Center
Classification: Benign for Tuberous sclerosis 2. Last evaluated: 2023-07-07. Review status: criteria provided, single submitter. Criteria: ACMG Guidelines, 2015. Collection method: clinical testing. Allele origin: germline. Affected: yes.

Department of Pathology and Laboratory Medicine, Sinai Health System
Classification: Benign for Lymphangiomyomatosis; Isolated focal cortical dysplasia type II; Tuberous sclerosis 2. Last evaluated: 2022-02-02. Review status: criteria provided, single submitter. Criteria: ACMG Guidelines, 2015. Collection method: clinical testing. Allele origin: germline. Affected: yes.

Laboratory of Molecular Epidemiology of Birth Defects, West China Second University Hospital, Sichuan University
Classification: Benign for Ovarian cancer. Last evaluated: 2022-01-01. Review status: criteria provided, single submitter. Criteria: ACMG Guidelines, 2015. Collection method: clinical testing. Allele origin: germline. Affected: yes.

Genome-Nilou Lab
Classification: Benign for Tuberous sclerosis 2. Last evaluated: 2021-11-07. Review status: criteria provided, single submitter. Criteria: ACMG Guidelines, 2015. Collection method: clinical testing. Allele origin: germline. Affected: no.

Genetic Services Laboratory, University of Chicago
Classification: Benign. Last evaluated: 2020-09-01. Review status: criteria provided, single submitter. Criteria: ACMG Guidelines, 2015. Collection method: clinical testing. Allele origin: germline. Affected: no.

Sema4
Classification: Benign for Hereditary cancer-predisposing syndrome. Last evaluated: 2020-01-30. Review status: criteria provided, single submitter. Criteria: Sema4 Curation Guidelines. Collection method: curation. Allele origin: germline.

SIB Swiss Institute of Bioinformatics
Classification: Benign for Tuberous sclerosis 2. Last evaluated: 2018-05-31. Review status: criteria provided, single submitter. Criteria: ACMG Guidelines, 2015. Collection method: curation. Allele origin: unknown.
Comment: This variant is interpreted as a Benign - Stand Alone, for Tuberous sclerosis 2, in Autosomal Dominant manner. The following ACMG Tag(s) were applied: BA1 => Allele frequency is >5% in Exome Sequencing Project and 1000 Genomes Project, or Exome Aggregation Consortium.

Color Diagnostics, LLC DBA Color Health
Classification: Benign for Tuberous sclerosis syndrome. Last evaluated: 2018-03-05. Review status: criteria provided, single submitter. Criteria: ACMG Guidelines, 2015. Collection method: clinical testing. Allele origin: germline.

Athena Diagnostics
Classification: Benign for Tuberous sclerosis 2. Last evaluated: 2017-05-24. Review status: criteria provided, single submitter. Criteria: Athena Diagnostics Criteria. Collection method: clinical testing. Allele origin: germline.

Illumina Laboratory Services, Illumina
Classification: Likely benign for Tuberous sclerosis syndrome. Last evaluated: 2017-04-27. Review status: criteria provided, single submitter. Criteria: ICSL Variant Classification Criteria 13 December 2019. Collection method: clinical testing. Allele origin: germline.
Comment: This variant was observed as part of a predisposition screen in an ostensibly healthy population. A literature search was performed for the gene, cDNA change, and amino acid change (where applicable). Publications were found based on this search. The evidence from the literature, in combination with allele frequency data from public databases where available, was sufficient to determine this variant is unlikely to cause disease. Therefore, this variant is classified as likely benign.

Women's Health and Genetics/Laboratory Corporation of America, LabCorp
Classification: Benign. Last evaluated: 2016-08-23. Review status: criteria provided, single submitter. Criteria: LabCorp Variant Classification Summary - May 2015. Collection method: clinical testing. Allele origin: germline.
Comment: Variant summary: The TSC2 c.3986G>A (p.Arg1329His) variant causes a missense change involving a non-conserved nucleotide with 3/4 in silico tools (SNPs&GO not captured due to low reliability index) predicting a "damaging" outcome, although these predictions have yet to be functionally assessed. The variant of interest was observed in the large, broad control population, ExAC, with an allele frequency of 708/97938 (11 homozygotes, 1/138), which significantly exceeds the estimated maximal expected allele frequency for a pathogenic TSC2 variant of 1/14534, suggesting this is likely a benign polymorphism. In addition, multiple reputable clinical laboratories/databases cite the variant as "likely benign/benign." Therefore, the variant of interest has been classified as Benign.

Center for Pediatric Genomic Medicine, Children's Mercy Hospital and Clinics
Classification: Likely benign. Last evaluated: 2015-08-19. Review status: criteria provided, single submitter. Criteria: ACMG Guidelines, 2015. Collection method: clinical testing. Allele origin: germline.
ClinVar note: Converted during submission from Likely Benign to Likely benign.

Eurofins Ntd Llc (ga)
Classification: Benign. Last evaluated: 2015-04-21. Review status: criteria provided, single submitter. Criteria: EGL Classification Definitions 2015. Collection method: clinical testing. Allele origin: germline. Observed: 3 variant alleles, 3 heterozygotes.

GeneDx
Classification: Benign. Last evaluated: 2015-03-03. Review status: criteria provided, single submitter. Criteria: GeneDx Variant Classification Process June 2021. Collection method: clinical testing. Allele origin: germline. Affected: yes.
Comment: This variant is associated with the following publications: (PMID: 27884173, 22703879, 22995991, 17304050, 24618965, 20981092, 24728327, 10732801, 27153395)

Ambry Genetics
Classification: Benign for Hereditary cancer-predisposing syndrome. Last evaluated: 2014-12-01. Review status: criteria provided, single submitter. Criteria: Ambry Variant Classification Scheme 2023. Collection method: clinical testing. Allele origin: germline.

Breakthrough Genomics
Classification: Likely benign. Review status: criteria provided, single submitter. Criteria: ACMG Guidelines, 2015. Collection method: not provided. Allele origin: germline. Inheritance: Autosomal dominant inheritance. Affected: yes.

PreventionGenetics, part of Exact Sciences
Classification: Benign. Review status: criteria provided, single submitter. Criteria: ACMG Guidelines, 2015. Collection method: clinical testing. Allele origin: germline.

ITMI
No classification provided. Condition: AllHighlyPenetrant. Last evaluated: 2013-09-19. Review status: no classification provided. Collection method: reference population. Allele origin: germline. Not counted in ClinVar's aggregate classification.
Comment: Please see associated publication for description of ethnicities

Biesecker Lab/Clinical Genomics Section, National Institutes of Health
Classification: Likely benign. Last evaluated: 2012-07-13. Review status: no assertion criteria provided. Collection method: research. Allele origin: germline. Affected: no. Observed: 2 variant alleles. Study: ClinSeq. Not counted in ClinVar's aggregate classification.
ClinVar note: Converted during submission from probably not pathogenic to Likely benign.

Clinical Genetics DNA and cytogenetics Diagnostics Lab, Erasmus MC, Erasmus Medical Center
Classification: Benign. Review status: no assertion criteria provided. Collection method: clinical testing. Allele origin: germline. Affected: yes. Study: VKGL Data-share Consensus. Not counted in ClinVar's aggregate classification.

Clinical Genetics, Academic Medical Center
Classification: Benign. Review status: no assertion criteria provided. Collection method: clinical testing. Allele origin: germline. Affected: yes. Study: VKGL Data-share Consensus. Not counted in ClinVar's aggregate classification.

Genome Diagnostics Laboratory, Amsterdam University Medical Center
Classification: Benign. Review status: no assertion criteria provided. Collection method: clinical testing. Allele origin: germline. Affected: yes. Study: VKGL Data-share Consensus. Not counted in ClinVar's aggregate classification.

Laboratory of Diagnostic Genome Analysis, Leiden University Medical Center (LUMC)
Classification: Benign. Review status: no assertion criteria provided. Collection method: clinical testing. Allele origin: germline. Affected: yes. Study: VKGL Data-share Consensus. Not counted in ClinVar's aggregate classification.

Tuberous sclerosis database (TSC2)
No classification provided. Condition: TSC. Review status: no classification provided. Criteria: Tuberous Sclerosis Database Assertion Criteria 2015. Collection method: curation. Allele origin: germline. Affected: yes. Not counted in ClinVar's aggregate classification.

Literature cited by the submitters: PubMed 10732801 (cited by Athena Diagnostics and Illumina Laboratory Services, Illumina); PubMed 16114042 (cited by Athena Diagnostics and Illumina Laboratory Services, Illumina); PubMed 24728327 (cited by ITMI).

NM_000548.5(TSC2):c.3986G>A (p.Arg1329His)

Gene: TSC2 (TSC complex subunit 2; plus strand). Cytogenetic location: 16p13.3.
Variant type: single nucleotide variant.
Coding change: c.3986G>A on transcript NM_000548.5 (MANE Select); coding-DNA position 3986, G replaced by A.
Protein change: p.Arg1329His; replaces arginine 1329 with histidine.
Molecular consequence: missense variant.
Genome position (GRCh38, 1-based): chr16:2,083,797, G>A. VCF-style: chr16-2083797-G-A. GRCh37 (hg19) VCF-style: chr16-2133798-G-A.
Other names: NM_000548.3(TSC2):c.3986G>A(p.Arg1329His); NM_001077183.1(TSC2):c.3785G>A(p.Arg1262His); NM_001114382.1(TSC2):c.3917G>A(p.Arg1306His); c.3986G>A (NM_000548.4); c.3785G>A, p.Arg1262His (NM_001077183.3); c.3917G>A, p.Arg1306His (NM_001114382.3); c.3677G>A, p.Arg1226His (NM_001318827.2); c.3641G>A, p.Arg1214His (NM_001318829.2); and 5 more; short protein forms R1329H, R1085H, R1273H, R1263H, R1306H, R1214H, R1226H, R1285H.
Identifiers: ClinVar variation 41738 (VCV000041738.52), dbSNP rs45517323, ClinGen allele CA019777.